The following is an entry in ClinVar:

ClinVar aggregate classification (germline): Likely benign (1 of 4 stars; one submission).

gnomAD v4.1: 26 of 1,611,962 alleles (0.0016%); highest among the groups gnomAD compares: Admixed American, 0.0033%; no homozygotes.

Submission:

CeGaT Center for Human Genetics Tuebingen
Classification: Likely benign. Last evaluated: 2026-04-01. Review status: criteria provided, single submitter. Criteria: CeGaT Center For Human Genetics Tuebingen Variant Classification Criteria Version 2. Collection method: clinical testing. Allele origin: germline. Affected: yes. Observed: 1 variant allele.
Comment: TAF6: BP4, BP7

NM_139315.3(TAF6):c.240C>T (p.Val80=)

Gene: TAF6 (TATA-box binding protein associated factor 6; minus strand). Cytogenetic location: 7q22.1.
Variant type: single nucleotide variant.
Coding change: c.240C>T on transcript NM_139315.3 (MANE Select); coding-DNA position 240, C replaced by T.
Protein change: p.Val80=; no amino-acid change (valine 80 retained).
Molecular consequence: synonymous variant. On other transcripts: non-coding transcript variant (1).
Genome position (GRCh38, 1-based): chr7:100,113,871, G>A on the plus strand (C>T on the coding strand, the complement: TAF6 is on the minus strand). VCF-style: chr7-100113871-G-A. GRCh37 (hg19) VCF-style: chr7-99711494-G-A.
Other names: c.351C>T, p.Val117= (NM_001190415.2); c.240C>T, p.Val80= (NM_001364998.1, NM_001364999.1, NM_005641.4); c.210C>T, p.Val70= (NM_001365000.1, NM_001365001.1, NM_001365002.1 and 1 more transcripts); c.378C>T, p.Val126= (NM_001365004.1).
Identifiers: ClinVar variation 4873525 (VCV004873525.2).